The following is an entry in ClinVar:

NM_012213.3(MLYCD):c.1027A>T (p.Asn343Tyr)

Gene: MLYCD (malonyl-CoA decarboxylase; plus strand). Cytogenetic location: 16q23.3.
Variant type: single nucleotide variant.
Coding change: c.1027A>T on transcript NM_012213.3 (MANE Select); coding-DNA position 1027, A replaced by T.
Protein change: p.Asn343Tyr; replaces asparagine 343 with tyrosine.
Molecular consequence: missense variant.
Genome position (GRCh38, 1-based): chr16:83,915,034, A>T. VCF-style: chr16-83915034-A-T. GRCh37 (hg19) VCF-style: chr16-83948639-A-T.
Other names: short protein forms N343Y.
Identifiers: ClinVar variation 841484 (VCV000841484.7), dbSNP rs1306974380, ClinGen allele CA396919883.

ClinVar aggregate classification (germline): Uncertain significance (1 of 4 stars; one submission).

Conditions:
Deficiency of malonyl-CoA decarboxylase. Also called: Malonic aciduria; MCD deficiency. Identifiers: Orphanet 943, MedGen C0342793, MONDO:0009556, OMIM 248360.

Allele frequency attached by ClinVar (database versions not stated): TOPMed below 0.00001; gnomAD exomes 0.00001 and 0.00003.
gnomAD v4.1: 41 of 1,614,220 alleles (0.0025%); highest among the groups gnomAD compares: Non-Finnish European, 0.0034%; no homozygotes.

Submission:

Labcorp Genetics (formerly Invitae), Labcorp
Classification: Uncertain significance for Deficiency of malonyl-CoA decarboxylase. Last evaluated: 2021-09-01. Review status: criteria provided, single submitter. Criteria: Invitae Variant Classification Sherloc (09022015). Collection method: clinical testing. Allele origin: germline.
Comment: This sequence change replaces asparagine with tyrosine at codon 343 of the MLYCD protein (p.Asn343Tyr). The asparagine residue is moderately conserved and there is a large physicochemical difference between asparagine and tyrosine. This variant is not present in population databases (ExAC no frequency). This variant has not been reported in the literature in individuals affected with MLYCD-related conditions. Algorithms developed to predict the effect of missense changes on protein structure and function (SIFT, PolyPhen-2, Align-GVGD) all suggest that this variant is likely to be tolerated. In summary, the available evidence is currently insufficient to determine the role of this variant in disease. Therefore, it has been classified as a Variant of Uncertain Significance.